The following is an entry in ClinVar:

ClinVar aggregate classification (germline): Uncertain significance (1 of 4 stars; one submission).

Conditions:
Hypertrophic cardiomyopathy. Also called: HYPERTROPHIC MYOCARDIOPATHY. Identifiers: Orphanet 217569, MedGen C0007194, MeSH D002312, MONDO:0005045, HP:0001639.

Allele frequency attached by ClinVar (database versions not stated): TOPMed below 0.00001; gnomAD 0.00001.
gnomAD v4.1: 2 of 1,613,788 alleles (0.00012%); highest among the groups gnomAD compares: Non-Finnish European, 0.00017%; no homozygotes.

Submission:

All of Us Research Program, National Institutes of Health
Classification: Uncertain significance for Hypertrophic cardiomyopathy. Last evaluated: 2024-01-11. Review status: criteria provided, single submitter. Criteria: ACMG Guidelines, 2015. Collection method: clinical testing. Allele origin: germline. Inheritance: Autosomal dominant inheritance. Observed: 1 variant allele, 1 heterozygote.
Comment: This study involves interpretation of variants in research participants for the purpose of population health screening. Participant phenotype was not available at the time of variant classification. Additional details can be found in publication PMID: 35346344, PMCID: PMC8962531

NM_000258.3(MYL3):c.50C>G (p.Pro17Arg)

Gene: MYL3 (myosin light chain 3; minus strand). Cytogenetic location: 3p21.31.
Variant type: single nucleotide variant.
Coding change: c.50C>G on transcript NM_000258.3 (MANE Select); coding-DNA position 50, C replaced by G.
Protein change: p.Pro17Arg; replaces proline 17 with arginine.
Molecular consequence: missense variant.
Genome position (GRCh38, 1-based): chr3:46,863,341, G>C on the plus strand (C>G on the coding strand, the complement: MYL3 is on the minus strand). VCF-style: chr3-46863341-G-C. GRCh37 (hg19) VCF-style: chr3-46904831-G-C.
Other names: c.50C>G, p.Pro17Arg (NM_001406937.1, NM_001406938.1, NM_001406939.1); short protein forms P17R.
Identifiers: ClinVar variation 3075341 (VCV003075341.1), dbSNP rs1244476739, ClinGen allele CA352499772.